The following is an entry in ClinVar:

NM_015001.3(SPEN):c.5468G>A (p.Arg1823His)

Gene: SPEN (spen family transcriptional repressor; plus strand). Cytogenetic location: 1p36.13.
Variant type: single nucleotide variant.
Coding change: c.5468G>A on transcript NM_015001.3 (MANE Select); coding-DNA position 5468, G replaced by A.
Protein change: p.Arg1823His; replaces arginine 1823 with histidine.
Molecular consequence: missense variant.
Genome position (GRCh38, 1-based): chr1:15,931,708, G>A. VCF-style: chr1-15931708-G-A. GRCh37 (hg19) VCF-style: chr1-16258203-G-A.
Other names: short protein forms R1823H.
Identifiers: ClinVar variation 2638323 (VCV002638323.24), dbSNP rs763428386, ClinGen allele CA619732.

ClinVar aggregate classification (germline): Likely benign (1 of 4 stars; one submission).

Allele frequency attached by ClinVar (database versions not stated): TOPMed 0.00003; ExAC 0.00002; gnomAD 0.00002.
gnomAD v4.1: 48 of 1,614,014 alleles (0.003%); highest among the groups gnomAD compares: Non-Finnish European, 0.0037%; no homozygotes.

Submission:

CeGaT Center for Human Genetics Tuebingen
Classification: Likely benign. Last evaluated: 2023-12-01. Review status: criteria provided, single submitter. Criteria: CeGaT Center For Human Genetics Tuebingen Variant Classification Criteria Version 2. Collection method: clinical testing. Allele origin: germline. Affected: yes. Observed: 2 variant alleles.
Comment: SPEN: BP4